The following is an entry in ClinVar:

NM_205861.3(DHDDS):c.293G>A (p.Arg98Gln)

Gene: DHDDS (dehydrodolichyl diphosphate synthase subunit; plus strand). Cytogenetic location: 1p36.11.
Variant type: single nucleotide variant.
Coding change: c.293G>A on transcript NM_205861.3 (MANE Select); coding-DNA position 293, G replaced by A.
Protein change: p.Arg98Gln; replaces arginine 98 with glutamine.
Molecular consequence: missense variant.
Genome position (GRCh38, 1-based): chr1:26,442,843, G>A. VCF-style: chr1-26442843-G-A. GRCh37 (hg19) VCF-style: chr1-26769334-G-A.
Other names: c.293G>A, p.Arg98Gln (NM_001243564.2, NM_001243565.2, NM_024887.4); c.14G>A, p.Arg5Gln (NM_001319959.2); short protein forms R98Q, R5Q.
Identifiers: ClinVar variation 1499785 (VCV001499785.5), dbSNP rs752459219, ClinGen allele CA705287.

ClinVar aggregate classification (germline): Uncertain significance (1 of 4 stars; one submission).

Conditions:
Retinitis pigmentosa 59 (RP59). Identifiers: Orphanet 791, MedGen C3151227, MONDO:0013468, OMIM 613861.

Allele frequency attached by ClinVar (database versions not stated): ExAC 0.00001; gnomAD 0.00001; gnomAD exomes 0.00001; TOPMed 0.00001.
gnomAD v4.1: 17 of 1,613,946 alleles (0.0011%); highest among the groups gnomAD compares: Middle Eastern, 0.016%; no homozygotes.

Submission:

Labcorp Genetics (formerly Invitae), Labcorp
Classification: Uncertain significance for Retinitis pigmentosa 59. Last evaluated: 2025-08-12. Review status: criteria provided, single submitter. Criteria: Invitae Variant Classification Sherloc (09022015). Collection method: clinical testing. Allele origin: germline.
Comment: This sequence change replaces arginine, which is basic and polar, with glutamine, which is neutral and polar, at codon 98 of the DHDDS protein (p.Arg98Gln). This variant is present in population databases (rs752459219, gnomAD 0.007%). This variant has not been reported in the literature in individuals affected with DHDDS-related conditions. ClinVar contains an entry for this variant (Variation ID: 1499785). Invitae Evidence Modeling of protein sequence and biophysical properties (such as structural, functional, and spatial information, amino acid conservation, physicochemical variation, residue mobility, and thermodynamic stability) indicates that this missense variant is not expected to disrupt DHDDS protein function with a negative predictive value of 80%. In summary, the available evidence is currently insufficient to determine the role of this variant in disease. Therefore, it has been classified as a Variant of Uncertain Significance.